The following is an entry in ClinVar:

NM_001378454.1(ALMS1):c.3103C>T (p.Pro1035Ser)

Gene: ALMS1 (ALMS1 centrosome and basal body associated protein; plus strand). Cytogenetic location: 2p13.1.
Variant type: single nucleotide variant.
Coding change: c.3103C>T on transcript NM_001378454.1 (MANE Select); coding-DNA position 3103, C replaced by T.
Protein change: p.Pro1035Ser; replaces proline 1035 with serine.
Molecular consequence: missense variant.
Genome position (GRCh38, 1-based): chr2:73,449,630, C>T. VCF-style: chr2-73449630-C-T. GRCh37 (hg19) VCF-style: chr2-73676757-C-T.
Other names: c.3106C>T, p.Pro1036Ser (NM_015120.4); short protein forms P1036S, P1035S.
Identifiers: ClinVar variation 389575 (VCV000389575.21), dbSNP rs531648685, ClinGen allele CA1713461.
Genomic context (GRCh38, chr2:73,449,630, plus strand): 5'-CAGGAGTGGCCAGATAGTTATGCAACTGAAAAGGCTCTGAAAGTTTCAACTGGCCCTGGA[C>T]CAGCTGACCAGAAGACTGAGATACCAGCAGTACAGTCTAGTTCTTACCCACAGAGGGAGA-3'
Protein context (NP_001365383.1, residues 1025-1045): KALKVSTGPG[Pro1035Ser]ADQKTEIPAV

ClinVar aggregate classification (germline): Conflicting classifications of pathogenicity. Review status: criteria provided, conflicting classifications (1 of 4 stars). 7 submissions from 7 submitters: Uncertain significance (5); Likely benign (1). 1 of the submissions does not count toward it. Last evaluated 2025-02-28.

Conditions:
Cardiovascular phenotype. Identifiers: MedGen CN230736.
Alstrom syndrome (ALMS). Identifiers: Orphanet 64, MedGen C0268425, MONDO:0008763, OMIM 203800.

Allele frequency attached by ClinVar (database versions not stated): ExAC 0.00007; gnomAD exomes 0.00008; gnomAD 0.00010; TOPMed 0.00010; 1000 Genomes Project 30x 0.00016; 1000 Genomes Project 0.00020.
gnomAD v4.1: 197 of 1,614,064 alleles (0.012%); highest among the groups gnomAD compares: Admixed American, 0.023%; no homozygotes.

Submissions (7):

Women's Health and Genetics/Laboratory Corporation of America, LabCorp
Classification: Uncertain significance. Last evaluated: 2025-02-28. Review status: criteria provided, single submitter. Criteria: LabCorp Variant Classification Summary - May 2015. Collection method: clinical testing. Allele origin: germline.

Blueprint Genetics
Classification: Uncertain significance. Last evaluated: 2024-10-02. Review status: criteria provided, single submitter. Criteria: ACMG Guidelines, 2015. Collection method: clinical testing. Allele origin: germline.

GeneDx
Classification: Uncertain significance. Last evaluated: 2024-06-06. Review status: criteria provided, single submitter. Criteria: GeneDx Variant Classification Process June 2021. Collection method: clinical testing. Allele origin: germline. Affected: yes.
Comment: Not observed at significant frequency in large population cohorts (gnomAD); In silico analysis supports that this missense variant does not alter protein structure/function; Has not been previously published as pathogenic or benign to our knowledge

Ambry Genetics
Classification: Likely benign for Cardiovascular phenotype. Last evaluated: 2024-05-17. Review status: criteria provided, single submitter. Criteria: Ambry Variant Classification Scheme 2023. Collection method: clinical testing. Allele origin: germline.

Labcorp Genetics (formerly Invitae), Labcorp
Classification: Uncertain significance for Alstrom syndrome. Last evaluated: 2022-08-16. Review status: criteria provided, single submitter. Criteria: Invitae Variant Classification Sherloc (09022015). Collection method: clinical testing. Allele origin: germline.
Comment: This sequence change replaces proline, which is neutral and non-polar, with serine, which is neutral and polar, at codon 1036 of the ALMS1 protein (p.Pro1036Ser). This variant is present in population databases (rs531648685, gnomAD 0.01%). This variant has not been reported in the literature in individuals affected with ALMS1-related conditions. ClinVar contains an entry for this variant (Variation ID: 389575). Experimental studies and prediction algorithms are not available or were not evaluated, and the functional significance of this variant is currently unknown. In summary, the available evidence is currently insufficient to determine the role of this variant in disease. Therefore, it has been classified as a Variant of Uncertain Significance.

Fulgent Genetics
Classification: Uncertain significance for Alstrom syndrome. Last evaluated: 2022-04-25. Review status: criteria provided, single submitter. Criteria: ACMG Guidelines, 2015. Collection method: clinical testing. Allele origin: unknown.

Natera, Inc.
Classification: Uncertain significance for Alstrom syndrome. Last evaluated: 2021-09-15. Review status: no assertion criteria provided. Collection method: clinical testing. Allele origin: germline. Not counted in ClinVar's aggregate classification.